The following is an entry in ClinVar:

ClinVar aggregate classification (germline): Conflicting classifications of pathogenicity. Review status: criteria provided, conflicting classifications (1 of 4 stars). 3 submissions from 3 submitters: Uncertain significance (1); Likely benign (2). Last evaluated 2026-07-16.

Conditions:
PIKFYVE-related disorder. Also called: PIKFYVE-related condition.
Inborn genetic diseases. Identifiers: MedGen C0950123, MeSH D030342.
Fleck corneal dystrophy (CFD). Also called: CORNEAL DYSTROPHY, FRANCOIS-NEETENS SPECKLED OR FLECKED. Identifiers: Orphanet 98970, MedGen C1562113, MONDO:0007376, OMIM 121850.

Allele frequency attached by ClinVar (database versions not stated): gnomAD exomes 0.00007 and 0.00021; ExAC 0.00008; TOPMed 0.00031.

Submissions (3):

PreventionGenetics, part of Exact Sciences
Classification: Likely benign for PIKFYVE-related condition. Last evaluated: 2026-07-16. Review status: criteria provided, single submitter. Criteria: ACMG Guidelines, 2015. Collection method: clinical testing. Allele origin: germline.
Comment: This variant is classified as likely benign based on ACMG/AMP sequence variant interpretation guidelines (Richards et al. 2015 PMID: 25741868, with internal and published modifications).

Ambry Genetics
Classification: Uncertain significance for Inborn genetic diseases. Last evaluated: 2023-01-26. Review status: criteria provided, single submitter. Criteria: Ambry Variant Classification Scheme 2023. Collection method: clinical testing. Allele origin: germline.

Illumina Laboratory Services, Illumina
Classification: Likely benign for Fleck corneal dystrophy. Last evaluated: 2018-01-12. Review status: criteria provided, single submitter. Criteria: ICSL Variant Classification Criteria 13 December 2019. Collection method: clinical testing. Allele origin: germline.
Comment: This variant was observed in the ICSL laboratory as part of a predisposition screen in an ostensibly healthy population. It had not been previously curated by ICSL or reported in the Human Gene Mutation Database (HGMD: prior to June 1st, 2018), and was therefore a candidate for classification through an automated scoring system. Utilizing variant allele frequency, disease prevalence and penetrance estimates, and inheritance mode, an automated score was calculated to assess if this variant is too frequent to cause the disease. Based on the score and internal cut-off values, a variant classified as likely benign is not then subjected to further curation. The score for this variant resulted in a classification of likely benign for this disease.

NM_015040.4(PIKFYVE):c.3804G>C (p.Gln1268His)

Gene: PIKFYVE (phosphoinositide kinase, FYVE-type zinc finger containing; plus strand). Cytogenetic location: 2q34.
Variant type: single nucleotide variant.
Coding change: c.3804G>C on transcript NM_015040.4 (MANE Select); coding-DNA position 3804, G replaced by C.
Protein change: p.Gln1268His; replaces glutamine 1268 with histidine.
Molecular consequence: missense variant.
Genome position (GRCh38, 1-based): chr2:208,330,535, G>C. VCF-style: chr2-208330535-G-C. GRCh37 (hg19) VCF-style: chr2-209195259-G-C.
Other names: short protein forms Q1268H.
Identifiers: ClinVar variation 895488 (VCV000895488.7), dbSNP rs767989671, ClinGen allele CA2080158.